The following is an entry in ClinVar:

NM_014585.6(SLC40A1):c.1038G>C (p.Met346Ile)

Gene: SLC40A1 (solute carrier family 40 member 1; minus strand). Cytogenetic location: 2q32.2.
Variant type: single nucleotide variant.
Coding change: c.1038G>C on transcript NM_014585.6 (MANE Select); coding-DNA position 1038, G replaced by C.
Protein change: p.Met346Ile; replaces methionine 346 with isoleucine.
Molecular consequence: missense variant.
Genome position (GRCh38, 1-based): chr2:189,563,948, C>G on the plus strand (G>C on the coding strand, the complement: SLC40A1 is on the minus strand). VCF-style: chr2-189563948-C-G. GRCh37 (hg19) VCF-style: chr2-190428674-C-G.
Other names: short protein forms M346I.
Identifiers: ClinVar variation 2046640 (VCV002046640.1), dbSNP rs1463049429, ClinGen allele CA349987864.
Genomic context (GRCh38, chr2:189,563,948, plus strand): 5'-TTTTCGACGTAGCCAAGTAAAAGCTACAGTTCCCATTATTCCAGTTATAGCTGATGCTCC[C>G]ATCAAAATACTGAGGATGGAACCACTCAGTCCCTGAGTGTAGGCGTACCCTGTGGTGATG-3'
Protein context (NP_055400.1, residues 336-356): GLSGSILSIL[Met346Ile]GASAITGIMG

ClinVar aggregate classification (germline): Uncertain significance (1 of 4 stars; one submission).

Conditions:
Hemochromatosis type 4 (HFE4). Also called: HEMOCHROMATOSIS DUE TO DEFECT IN FERROPORTIN; HEMOCHROMATOSIS, AUTOSOMAL DOMINANT; Ferroportin disease. Identifiers: Orphanet 139491, Orphanet 647834, Orphanet 648562, MedGen C1853733, MONDO:0011631, OMIM 606069.

Allele frequency attached by ClinVar (database versions not stated): gnomAD exomes below 0.00001.

Submission:

Labcorp Genetics (formerly Invitae), Labcorp
Classification: Uncertain significance for Hemochromatosis type 4. Last evaluated: 2022-08-14. Review status: criteria provided, single submitter. Criteria: Invitae Variant Classification Sherloc (09022015). Collection method: clinical testing. Allele origin: germline.
Comment: This sequence change replaces methionine, which is neutral and non-polar, with isoleucine, which is neutral and non-polar, at codon 346 of the SLC40A1 protein (p.Met346Ile). This variant is present in population databases (no rsID available, gnomAD 0.009%). This variant has not been reported in the literature in individuals affected with SLC40A1-related conditions. Algorithms developed to predict the effect of missense changes on protein structure and function (SIFT, PolyPhen-2, Align-GVGD) all suggest that this variant is likely to be tolerated. In summary, the available evidence is currently insufficient to determine the role of this variant in disease. Therefore, it has been classified as a Variant of Uncertain Significance.